The following is an entry in ClinVar:

ClinVar aggregate classification (germline): Likely benign (1 of 4 stars; one submission).

Conditions:
Hereditary diffuse gastric adenocarcinoma (HDGC). Also called: DIFFUSE GASTRIC AND LOBULAR BREAST CANCER SYNDROME. Identifiers: Orphanet 26106, MedGen C1708349, MONDO:0007648, OMIM 137215.

Submission:

Myriad Genetics, Inc.
Classification: Likely benign for Hereditary diffuse gastric adenocarcinoma. Last evaluated: 2024-09-16. Review status: criteria provided, single submitter. Criteria: Myriad Autosomal Dominant, Autosomal Recessive and X-Linked Classification Criteria (2023). Collection method: clinical testing. Allele origin: unknown.
Comment: This variant is considered likely benign. This variant is intronic and is not expected to impact mRNA splicing.

NM_004360.5(CDH1):c.833-18C>T

Gene: CDH1 (cadherin 1; plus strand). Cytogenetic location: 16q22.1.
Variant type: single nucleotide variant.
Coding change: c.833-18C>T on transcript NM_004360.5 (MANE Select); 18 bases into the intron before coding-DNA position 833, C replaced by T.
Molecular consequence: intron variant.
Genome position (GRCh38, 1-based): chr16:68,811,666, C>T. VCF-style: chr16-68811666-C-T. GRCh37 (hg19) VCF-style: chr16-68845569-C-T.
Other names: c.-783-18C>T (NM_001317185.2); c.-987-18C>T (NM_001317186.2); c.833-18C>T (NM_001317184.2).
Identifiers: ClinVar variation 3378729 (VCV003378729.1).